The following is an entry in ClinVar:

ClinVar aggregate classification (germline): Uncertain significance. Review status: criteria provided, multiple submitters, no conflicts (2 of 4 stars). 2 submissions from 2 submitters: Uncertain significance (2). Last evaluated 2025-09-04.

Conditions:
Orofaciodigital syndrome type 6 (OFD6). Also called: OROFACIODIGITAL SYNDROME VI; OFDS VI; POLYDACTYLY, CLEFT LIP/PALATE OR LINGUAL LUMP, AND PSYCHOMOTOR RETARDATION; VARADI SYNDROME; VARADI-PAPP SYNDROME; Oral-facial-digital syndrome type 6. Identifiers: Orphanet 2754, MedGen C2745997, MONDO:0010176, OMIM 277170.
Joubert syndrome 17 (JBTS17). Identifiers: Orphanet 475, MedGen C3553264, MONDO:0013824, OMIM 614615.

Allele frequency attached by ClinVar (database versions not stated): TOPMed 0.00001.
gnomAD v4.1: 17 of 1,605,162 alleles (0.0011%); highest among the groups gnomAD compares: Admixed American, 0.0017%; no homozygotes.

Submissions (2):

Labcorp Genetics (formerly Invitae), Labcorp
Classification: Uncertain significance. Last evaluated: 2025-09-04. Review status: criteria provided, single submitter. Criteria: Invitae Variant Classification Sherloc (09022015). Collection method: clinical testing. Allele origin: germline.
Comment: This sequence change replaces arginine, which is basic and polar, with lysine, which is basic and polar, at codon 1752 of the CPLANE1 protein (p.Arg1752Lys). This variant is not present in population databases (gnomAD no frequency). This variant has not been reported in the literature in individuals affected with CPLANE1-related conditions. ClinVar contains an entry for this variant (Variation ID: 1444860). Invitae Evidence Modeling of protein sequence and biophysical properties (such as structural, functional, and spatial information, amino acid conservation, physicochemical variation, residue mobility, and thermodynamic stability) indicates that this missense variant is not expected to disrupt CPLANE1 protein function with a negative predictive value of 95%. In summary, the available evidence is currently insufficient to determine the role of this variant in disease. Therefore, it has been classified as a Variant of Uncertain Significance.

Fulgent Genetics
Classification: Uncertain significance for Orofaciodigital syndrome type 6; Joubert syndrome 17. Last evaluated: 2022-03-29. Review status: criteria provided, single submitter. Criteria: ACMG Guidelines, 2015. Collection method: clinical testing. Allele origin: unknown.

NM_001384732.1(CPLANE1):c.5255G>A (p.Arg1752Lys)

Gene: CPLANE1 (ciliogenesis and planar polarity effector complex subunit 1; minus strand). Cytogenetic location: 5p13.2.
Variant type: single nucleotide variant.
Coding change: c.5255G>A on transcript NM_001384732.1 (MANE Select); coding-DNA position 5255, G replaced by A.
Protein change: p.Arg1752Lys; replaces arginine 1752 with lysine.
Molecular consequence: missense variant.
Genome position (GRCh38, 1-based): chr5:37,182,926, C>T on the plus strand (G>A on the coding strand, the complement: CPLANE1 is on the minus strand). VCF-style: chr5-37182926-C-T. GRCh37 (hg19) VCF-style: chr5-37183028-C-T.
Other names: c.5255G>A, p.Arg1752Lys (NM_023073.4); short protein forms R1752K.
Identifiers: ClinVar variation 1444860 (VCV001444860.7), dbSNP rs763933855, ClinGen allele CA117068862.